The following is an entry in ClinVar:

NM_014363.6(SACS):c.6409C>T (p.Gln2137Ter)

Gene: SACS (sacsin molecular chaperone; minus strand). Cytogenetic location: 13q12.12.
Variant type: single nucleotide variant.
Coding change: c.6409C>T on transcript NM_014363.6 (MANE Select); coding-DNA position 6409, C replaced by T.
Protein change: p.Gln2137Ter; replaces glutamine 2137 with a stop codon.
Molecular consequence: nonsense.
Genome position (GRCh38, 1-based): chr13:23,337,467, G>A on the plus strand (C>T on the coding strand, the complement: SACS is on the minus strand). VCF-style: chr13-23337467-G-A. GRCh37 (hg19) VCF-style: chr13-23911606-G-A.
Other names: c.5968C>T, p.Gln1990Ter (NM_001278055.2); short protein forms Q2137*, Q1990*.
Identifiers: ClinVar variation 551526 (VCV000551526.4), dbSNP rs201690040, ClinGen allele CA387521968.

ClinVar aggregate classification (germline): Likely pathogenic. Review status: criteria provided, single submitter (1 of 4 stars). 2 submissions from 2 submitters: Likely pathogenic (1). 1 of the submissions does not count toward it.

Conditions:
Charlevoix-Saguenay spastic ataxia (SACS). Also called: Spastic ataxia of Charlevoix-Saguenay; SPASTIC ATAXIA 6, AUTOSOMAL RECESSIVE; AUTOSOMAL RECESSIVE SPASTIC ATAXIA OF CHARLEVOIX-SAGUENAY. Identifiers: Orphanet 98, MedGen C1849140, MONDO:0010041, OMIM 270550.

Submissions (2):

Juno Genomics, Hangzhou Juno Genomics, Inc
Classification: Likely pathogenic for Charlevoix-Saguenay spastic ataxia. Review status: criteria provided, single submitter. Criteria: ACMG Guidelines, 2015. Collection method: clinical testing. Allele origin: germline.
Comment: Absent from controls (or at extremely low frequency if recessive) in Genome Aggregation Database.;Null variant in a gene where loss of function (LOF) is a known mechanism of disease.;For recessive disorders, detected in trans with a pathogenic variant.

Counsyl
Classification: Likely pathogenic for Charlevoix-Saguenay spastic ataxia. Last evaluated: 2017-04-14. Review status: no assertion criteria provided. Collection method: clinical testing. Allele origin: unknown. Not counted in ClinVar's aggregate classification.

Literature cited by the submitters: PubMed 23280630 (cited by Counsyl); PubMed 20798953 (cited by Counsyl).